The following is an entry in ClinVar:

NM_001999.4(FBN2):c.8329C>A (p.Gln2777Lys)

Gene: FBN2 (fibrillin 2; minus strand). Cytogenetic location: 5q23.3.
Variant type: single nucleotide variant.
Coding change: c.8329C>A on transcript NM_001999.4 (MANE Select); coding-DNA position 8329, C replaced by A.
Protein change: p.Gln2777Lys; replaces glutamine 2777 with lysine.
Molecular consequence: missense variant.
Genome position (GRCh38, 1-based): chr5:128,261,771, G>T on the plus strand (C>A on the coding strand, the complement: FBN2 is on the minus strand). VCF-style: chr5-128261771-G-T. GRCh37 (hg19) VCF-style: chr5-127597463-G-T.
Other names: short protein forms Q2777K.
Identifiers: ClinVar variation 3384318 (VCV003384318.1).
Genomic context (GRCh38, chr5:128,261,771, plus strand): 5'-GCAACACAGAGTGGGATATACTCACAGCAGTGGGATCAGGTTCATGAATACTTCTCTTCT[G>T]CCTGCTGTCTTTCTTAGAATAGCCGTTGATTTTGCACTCGTAGCATGCTTCTGGGGACAG-3'
Protein context (NP_001990.2, residues 2767-2787): INGYSKKDSR[Gln2777Lys]KRSIHEPDPT

ClinVar aggregate classification (germline): Uncertain significance (1 of 4 stars; one submission).

gnomAD v4.1: 1 of 1,614,062 alleles (0.000062%); highest among the groups gnomAD compares: Non-Finnish European, 0.000085%; no homozygotes.

Submission:

GeneDx
Classification: Uncertain significance. Last evaluated: 2024-06-07. Review status: criteria provided, single submitter. Criteria: GeneDx Variant Classification Process June 2021. Collection method: clinical testing. Allele origin: germline. Affected: yes.
Comment: Has not been previously published as pathogenic or benign to our knowledge; Not observed at significant frequency in large population cohorts (gnomAD); In silico analysis indicates that this missense variant does not alter protein structure/function